The following is an entry in ClinVar:

NM_005591.4(MRE11):c.760A>G (p.Thr254Ala)

Gene: MRE11 (MRE11 double strand break repair nuclease; minus strand). Cytogenetic location: 11q21.
Variant type: single nucleotide variant.
Coding change: c.760A>G on transcript NM_005591.4 (MANE Select); coding-DNA position 760, A replaced by G.
Protein change: p.Thr254Ala; replaces threonine 254 with alanine.
Molecular consequence: missense variant.
Genome position (GRCh38, 1-based): chr11:94,471,659, T>C on the plus strand (A>G on the coding strand, the complement: MRE11 is on the minus strand). VCF-style: chr11-94471659-T-C. GRCh37 (hg19) VCF-style: chr11-94204825-T-C.
Other names: c.760A>G, p.Thr254Ala (NM_001330347.2, NM_005590.4); short protein forms T254A.
Identifiers: ClinVar variation 2327034 (VCV002327034.3), dbSNP rs2496495827, ClinGen allele CA382375730.
Genomic context (GRCh38, chr11:94,471,659, plus strand): 5'-GAGAAGTAACCACTGAGCTTCCAGGTTGTGAGATATAAAACAGCTGTTGTTCATTTTTGG[T>C]TGGAGCTATTTTACACTCATGTTCATGGCCCCAGATAACAAGATCAATGAAGTCATCCAA-3'
Protein context (NP_005582.1, residues 244-264): GHEHECKIAP[Thr254Ala]KNEQQLFYIS

ClinVar aggregate classification (germline): Uncertain significance (1 of 4 stars; one submission).

Conditions:
Hereditary cancer-predisposing syndrome. Also called: Tumor predisposition; Hereditary Cancer Syndrome; Hereditary neoplastic syndrome; Neoplastic Syndromes, Hereditary. Identifiers: Orphanet 140162, MedGen C0027672, MeSH D009386, MONDO:0015356.

Submission:

Ambry Genetics
Classification: Uncertain significance for Hereditary cancer-predisposing syndrome. Last evaluated: 2026-06-02. Review status: criteria provided, single submitter. Criteria: Ambry Variant Classification Scheme 2023. Collection method: clinical testing. Allele origin: germline.
Comment: The p.T254A variant (also known as c.760A>G), located in coding exon 7 of the MRE11A gene, results from an A to G substitution at nucleotide position 760. The threonine at codon 254 is replaced by alanine, an amino acid with similar properties. This amino acid position is conserved. In addition, this alteration is predicted to be tolerated by in silico analysis. Based on the available evidence, the clinical significance of this variant remains unclear.